The following is an entry in ClinVar:

ClinVar aggregate classification (germline): Uncertain significance (1 of 4 stars; one submission).

Allele frequency attached by ClinVar (database versions not stated): gnomAD exomes 0.00002; TOPMed 0.00003; gnomAD 0.00005; ExAC 0.00010.

Submission:

Labcorp Genetics (formerly Invitae), Labcorp
Classification: Uncertain significance. Last evaluated: 2024-06-12. Review status: criteria provided, single submitter. Criteria: Invitae Variant Classification Sherloc (09022015). Collection method: clinical testing. Allele origin: germline.
Comment: This sequence change replaces arginine, which is basic and polar, with tryptophan, which is neutral and slightly polar, at codon 71 of the BCAP31 protein (p.Arg71Trp). This variant is present in population databases (rs782756196, gnomAD 0.04%). This variant has not been reported in the literature in individuals affected with BCAP31-related conditions. ClinVar contains an entry for this variant (Variation ID: 1942429). Algorithms developed to predict the effect of missense changes on protein structure and function output the following: SIFT: "Not Available"; PolyPhen-2: "Benign"; Align-GVGD: "Not Available". The tryptophan amino acid residue is found in multiple mammalian species, which suggests that this missense change does not adversely affect protein function. In summary, the available evidence is currently insufficient to determine the role of this variant in disease. Therefore, it has been classified as a Variant of Uncertain Significance.

NM_001256447.2(BCAP31):c.211C>T (p.Arg71Trp)

Gene: BCAP31 (B cell receptor associated protein 31; minus strand). Cytogenetic location: Xq28.
Variant type: single nucleotide variant.
Coding change: c.211C>T on transcript NM_001256447.2 (MANE Select); coding-DNA position 211, C replaced by T.
Protein change: p.Arg71Trp; replaces arginine 71 with tryptophan.
Molecular consequence: missense variant.
Genome position (GRCh38, 1-based): chrX:153,715,672, G>A on the plus strand (C>T on the coding strand, the complement: BCAP31 is on the minus strand). VCF-style: chrX-153715672-G-A. GRCh37 (hg19) VCF-style: chrX-152981127-G-A.
Other names: c.211C>T, p.Arg71Trp (NM_001139441.1, NM_005745.8); c.412C>T, p.Arg138Trp (NM_001139457.2); short protein forms R71W, R138W.
Identifiers: ClinVar variation 1942429 (VCV001942429.4), dbSNP rs782756196, ClinGen allele CA10549808.